The following is an entry in ClinVar:

NM_000170.3(GLDC):c.2474G>A (p.Gly825Asp)

Gene: GLDC (glycine decarboxylase; minus strand). Cytogenetic location: 9p24.1.
Variant type: single nucleotide variant.
Coding change: c.2474G>A on transcript NM_000170.3 (MANE Select); coding-DNA position 2474, G replaced by A.
Protein change: p.Gly825Asp; replaces glycine 825 with aspartic acid.
Molecular consequence: missense variant.
Genome position (GRCh38, 1-based): chr9:6,550,898, C>T on the plus strand (G>A on the coding strand, the complement: GLDC is on the minus strand). VCF-style: chr9-6550898-C-T. GRCh37 (hg19) VCF-style: chr9-6550898-C-T.
Other names: short protein forms G825D.
Identifiers: ClinVar variation 427037 (VCV000427037.4), dbSNP rs906049409, ClinGen allele CA188649114.

ClinVar aggregate classification (germline): Likely pathogenic (1 of 4 stars; one submission).

Allele frequency attached by ClinVar (database versions not stated): TOPMed below 0.00001; gnomAD 0.00001; gnomAD exomes 0.00001.

Submission:

GeneDx
Classification: Likely pathogenic. Last evaluated: 2022-01-28. Review status: criteria provided, single submitter. Criteria: GeneDx Variant Classification Process June 2021. Collection method: clinical testing. Allele origin: germline. Affected: yes.
Comment: Not observed at significant frequency in large population cohorts (gnomAD); In silico analysis supports that this missense variant has a deleterious effect on protein structure/function; This variant is associated with the following publications: (PMID: 29232014, 22171071)